The following is an entry in ClinVar:

NM_004453.4(ETFDH):c.410C>T (p.Pro137Leu)

Gene: ETFDH (electron transfer flavoprotein dehydrogenase; plus strand). Cytogenetic location: 4q32.1.
Variant type: single nucleotide variant.
Coding change: c.410C>T on transcript NM_004453.4 (MANE Select); coding-DNA position 410, C replaced by T.
Protein change: p.Pro137Leu; replaces proline 137 with leucine.
Molecular consequence: missense variant.
Genome position (GRCh38, 1-based): chr4:158,684,596, C>T. VCF-style: chr4-158684596-C-T. GRCh37 (hg19) VCF-style: chr4-159605748-C-T.
Other names: c.269C>T, p.Pro90Leu (NM_001281737.2); c.227C>T, p.Pro76Leu (NM_001281738.1); short protein forms P137L, P76L, P90L.
Identifiers: ClinVar variation 1705459 (VCV001705459.1), dbSNP rs1019854055, ClinGen allele CA108850100.
Genomic context (GRCh38, chr4:158,684,596, plus strand): 5'-TATTTACACTTGCAAATATAAACTAAAAACATTTCTTTTTCTTCTTTTATTTCTAGGCTC[C>T]ACTTAACACTCCTGTAACAGAAGACAGATTTGGAATTTTAACAGAGAAATACAGAATTCC-3'
Protein context (NP_004444.2, residues 127-147): LFPDWKEKGA[Pro137Leu]LNTPVTEDRF

ClinVar aggregate classification (germline): Uncertain significance (1 of 4 stars; one submission).

Conditions:
Multiple acyl-CoA dehydrogenase deficiency (MADD). Also called: Glutaric aciduria, type 2; ETHYLMALONIC-ADIPICACIDURIA; GA II; Glutaric Acidemia type 2; Glutaric acidemia type II; GA 2. Identifiers: Orphanet 26791, MedGen C0268596, MONDO:0009282, OMIM 231680.

Allele frequency attached by ClinVar (database versions not stated): gnomAD exomes below 0.00001; gnomAD 0.00001.
gnomAD v4.1: 3 of 1,520,068 alleles (0.0002%); highest among the groups gnomAD compares: Admixed American, 0.0034%; no homozygotes.

Submission:

3billion
Classification: Uncertain significance for Multiple acyl-CoA dehydrogenase deficiency. Last evaluated: 2022-09-01. Review status: criteria provided, single submitter. Criteria: ACMG Guidelines, 2015. Collection method: clinical testing. Allele origin: germline. Affected: yes. Observed: 1 heterozygote.
Comment: The variant is not observed in the gnomAD v2.1.1 dataset. Missense changes are a common disease-causing mechanism. In silico tool predictions suggest damaging effect of the variant on gene or gene product (REVEL: 0.91; 3Cnet: 0.54). A different missense change at the same codon (p.Pro137Ser) has been reported to be associated with ETFDH-related disorder (PMID: 19265687). However the evidence of pathogenicity is insufficient at this time. Therefore, this variant is classified as uncertain significance according to the recommendation of ACMG/AMP guideline.

Literature cited by the submitters: PubMed 19265687.